The following is an entry in ClinVar:

NM_001378454.1(ALMS1):c.8382A>G (p.Gln2794=)

Gene: ALMS1 (ALMS1 centrosome and basal body associated protein; plus strand). Cytogenetic location: 2p13.1.
Variant type: single nucleotide variant.
Coding change: c.8382A>G on transcript NM_001378454.1 (MANE Select); coding-DNA position 8382, A replaced by G.
Protein change: p.Gln2794=; no amino-acid change (glutamine 2794 retained).
Molecular consequence: synonymous variant.
Genome position (GRCh38, 1-based): chr2:73,490,341, A>G. VCF-style: chr2-73490341-A-G. GRCh37 (hg19) VCF-style: chr2-73717468-A-G.
Other names: c.8385A>G, p.Gln2795= (NM_015120.4).
Identifiers: ClinVar variation 4983400 (VCV004983400.1).

ClinVar aggregate classification (germline): Likely benign (1 of 4 stars; one submission).

Conditions:
ALMS1-related disorder. Also called: ALMS1-related condition.

Submission:

PreventionGenetics, part of Exact Sciences
Classification: Likely benign for ALMS1-related condition. Last evaluated: 2025-10-20. Review status: criteria provided, single submitter. Criteria: ACMG Guidelines, 2015. Collection method: clinical testing. Allele origin: germline.
Comment: This variant is classified as likely benign based on ACMG/AMP sequence variant interpretation guidelines (Richards et al. 2015 PMID: 25741868, with internal and published modifications).